The following is an entry in ClinVar:

ClinVar aggregate classification (germline): Conflicting classifications of pathogenicity. Review status: criteria provided, conflicting classifications (1 of 4 stars). 3 submissions from 3 submitters: Uncertain significance (2); Likely benign (1). Last evaluated 2025-06-15.

Conditions:
ATRX-related disorder. Also called: ATRX-related condition.
Alpha thalassemia-X-linked intellectual disability syndrome (ATRX). Also called: ALPHA-THALASSEMIA/MENTAL RETARDATION SYNDROME, X-LINKED; ALPHA-THALASSEMIA/IMPAIRED INTELLECTUAL DEVELOPMENT SYNDROME, X-LINKED; X-linked alpha-thalassemia-mental retardation syndrome; ATR, NONDELETION TYPE; ATR-X syndrome; Alpha thalassemia mental retardation syndrome, nondeletion type, X-linked. Identifiers: Orphanet 847, MedGen C1845055, MONDO:0010519, OMIM 301040.

Allele frequency attached by ClinVar (database versions not stated): gnomAD exomes below 0.00001 and 0.00001; ExAC 0.00001.
gnomAD v4.1: 1 of 1,210,203 alleles (0.000083%); highest among the groups gnomAD compares: Non-Finnish European, 0.00011%; no homozygotes.

Submissions (3):

Labcorp Genetics (formerly Invitae), Labcorp
Classification: Likely benign for Alpha thalassemia-X-linked intellectual disability syndrome. Last evaluated: 2025-06-15. Review status: criteria provided, single submitter. Criteria: Invitae Variant Classification Sherloc (09022015). Collection method: clinical testing. Allele origin: germline.

PreventionGenetics, part of Exact Sciences
Classification: Uncertain significance for ATRX-related condition. Last evaluated: 2023-09-12. Review status: criteria provided, single submitter. Criteria: ACMG Guidelines, 2015. Collection method: clinical testing. Allele origin: germline.
Comment: The ATRX c.1273A>C variant is predicted to result in the amino acid substitution p.Lys425Gln. To our knowledge, this variant has not been reported in the literature. This variant is reported in 0.0012% of alleles in individuals of European (Non-Finnish) descent in gnomAD. At this time, the clinical significance of this variant is uncertain due to the absence of conclusive functional and genetic evidence.

Eurofins Ntd Llc (ga)
Classification: Uncertain significance. Last evaluated: 2015-04-28. Review status: criteria provided, single submitter. Criteria: EGL Classification Definitions 2015. Collection method: clinical testing. Allele origin: germline. Observed: 1 variant allele, 1 hemizygote.

NM_000489.6(ATRX):c.1273A>C (p.Lys425Gln)

Gene: ATRX (ATRX chromatin remodeler; minus strand). Cytogenetic location: Xq21.1.
Variant type: single nucleotide variant.
Coding change: c.1273A>C on transcript NM_000489.6 (MANE Select); coding-DNA position 1273, A replaced by C.
Protein change: p.Lys425Gln; replaces lysine 425 with glutamine.
Molecular consequence: missense variant.
Genome position (GRCh38, 1-based): chrX:77,683,983, T>G on the plus strand (A>C on the coding strand, the complement: ATRX is on the minus strand). VCF-style: chrX-77683983-T-G. GRCh37 (hg19) VCF-style: chrX-76939475-T-G.
Other names: c.1273A>C (NM_000489.4); c.1159A>C, p.Lys387Gln (NM_138270.5); short protein forms K425Q, K387Q.
Identifiers: ClinVar variation 199028 (VCV000199028.10), dbSNP rs782508808, ClinGen allele CA247996.